The following is an entry in ClinVar:

ClinVar aggregate classification (germline): Uncertain significance (1 of 4 stars; one submission).

Allele frequency attached by ClinVar (database versions not stated): gnomAD 0.00001; gnomAD exomes 0.00001; TOPMed 0.00001; ExAC 0.00002.
gnomAD v4.1: 13 of 1,614,104 alleles (0.00081%); highest among the groups gnomAD compares: Non-Finnish European, 0.0011%; no homozygotes.

Submission:

Ambry Genetics
Classification: Uncertain significance. Last evaluated: 2023-11-19. Review status: criteria provided, single submitter. Criteria: Ambry Variant Classification Scheme 2023. Collection method: clinical testing. Allele origin: germline.
Comment: The p.F2037L variant (also known as c.6111T>G), located in coding exon 10 of the ALPK2 gene, results from a T to G substitution at nucleotide position 6111. The phenylalanine at codon 2037 is replaced by leucine, an amino acid with highly similar properties. This amino acid position is conserved. In addition, this alteration is predicted to be tolerated by in silico analysis. Since supporting evidence is limited at this time, the clinical significance of this alteration remains unclear.

NM_052947.4(ALPK2):c.6111T>G (p.Phe2037Leu)

Gene: ALPK2 (alpha kinase 2; minus strand). Cytogenetic location: 18q21.31.
Variant type: single nucleotide variant.
Coding change: c.6111T>G on transcript NM_052947.4 (MANE Select); coding-DNA position 6111, T replaced by G.
Protein change: p.Phe2037Leu; replaces phenylalanine 2037 with leucine.
Molecular consequence: missense variant.
Genome position (GRCh38, 1-based): chr18:58,504,067, A>C on the plus strand (T>G on the coding strand, the complement: ALPK2 is on the minus strand). VCF-style: chr18-58504067-A-C. GRCh37 (hg19) VCF-style: chr18-56171299-A-C.
Other names: short protein forms F2037L.
Identifiers: ClinVar variation 1751691 (VCV001751691.2), dbSNP rs761392422, ClinGen allele CA8976253.